The following is an entry in ClinVar:

NM_001614.5(ACTG1):c.235T>C (p.Trp79Arg)

Gene: ACTG1 (actin gamma 1; minus strand). Cytogenetic location: 17q25.3.
Variant type: single nucleotide variant.
Coding change: c.235T>C on transcript NM_001614.5 (MANE Select); coding-DNA position 235, T replaced by C.
Protein change: p.Trp79Arg; replaces tryptophan 79 with arginine.
Molecular consequence: missense variant. On other transcripts: non-coding transcript variant (1).
Genome position (GRCh38, 1-based): chr17:81,512,031, A>G on the plus strand (T>C on the coding strand, the complement: ACTG1 is on the minus strand). VCF-style: chr17-81512031-A-G. GRCh37 (hg19) VCF-style: chr17-79479057-A-G.
Other names: c.235T>C, p.Trp79Arg (NM_001199954.3); c.235T>C (NM_001614.3); short protein forms W79R.
Identifiers: ClinVar variation 2953695 (VCV002953695.4), dbSNP rs2544391958, ClinGen allele CA401463116.

ClinVar aggregate classification (germline): Uncertain significance. Review status: criteria provided, multiple submitters, no conflicts (2 of 4 stars). 2 submissions from 2 submitters: Uncertain significance (2). Last evaluated 2024-02-13.

Conditions:
Baraitser-winter syndrome 2. Identifiers: Orphanet 2995, MedGen C3281235, MONDO:0013812, OMIM 614583.
Autosomal dominant nonsyndromic hearing loss 20. Identifiers: Orphanet 90635, MedGen C1858172, MONDO:0011480, OMIM 604717.

Submissions (2):

GeneDx
Classification: Uncertain significance. Last evaluated: 2024-02-13. Review status: criteria provided, single submitter. Criteria: GeneDx Variant Classification Process June 2021. Collection method: clinical testing. Allele origin: germline. Affected: yes.
Comment: Not observed at significant frequency in large population cohorts (gnomAD); In silico analysis supports that this missense variant has a deleterious effect on protein structure/function; Missense variants in this gene are a common cause of disease and they are underrepresented in the general population; Has not been previously published as pathogenic or benign to our knowledge

Labcorp Genetics (formerly Invitae), Labcorp
Classification: Uncertain significance for Baraitser-winter syndrome 2; Autosomal dominant nonsyndromic hearing loss 20. Last evaluated: 2023-11-08. Review status: criteria provided, single submitter. Criteria: Invitae Variant Classification Sherloc (09022015). Collection method: clinical testing. Allele origin: germline.
Comment: This sequence change replaces tryptophan, which is neutral and slightly polar, with arginine, which is basic and polar, at codon 79 of the ACTG1 protein (p.Trp79Arg). This variant is not present in population databases (gnomAD no frequency). This variant has not been reported in the literature in individuals affected with ACTG1-related conditions. Advanced modeling of protein sequence and biophysical properties (such as structural, functional, and spatial information, amino acid conservation, physicochemical variation, residue mobility, and thermodynamic stability) performed at Invitae indicates that this missense variant is expected to disrupt ACTG1 protein function with a positive predictive value of 80%. In summary, the available evidence is currently insufficient to determine the role of this variant in disease. Therefore, it has been classified as a Variant of Uncertain Significance.